The following is an entry in ClinVar:

NM_003816.3(ADAM9):c.827G>A (p.Gly276Asp)

Gene: ADAM9 (ADAM metallopeptidase domain 9; plus strand). Cytogenetic location: 8p11.22.
Variant type: single nucleotide variant.
Coding change: c.827G>A on transcript NM_003816.3 (MANE Select); coding-DNA position 827, G replaced by A.
Protein change: p.Gly276Asp; replaces glycine 276 with aspartic acid.
Molecular consequence: missense variant. On other transcripts: non-coding transcript variant (3).
Genome position (GRCh38, 1-based): chr8:39,023,238, G>A. VCF-style: chr8-39023238-G-A. GRCh37 (hg19) VCF-style: chr8-38880757-G-A.
Other names: short protein forms G276D.
Identifiers: ClinVar variation 1004484 (VCV001004484.4), dbSNP rs1836805126, ClinGen allele CA370754168.
Genomic context (GRCh38, chr8:39,023,238, plus strand): 5'-GAATTGTGCTAGTTGGACTGGAGATTTGGACCAATGGAAACCTGATCAACATAGTTGGGG[G>A]TGCTGGTGATGTGCTGGGGAACTTCGTGCAGTGGCGGGAAAAGTTTCTTATCACACGTCG-3'
Protein context (NP_003807.1, residues 266-286): TNGNLINIVG[Gly276Asp]AGDVLGNFVQ

ClinVar aggregate classification (germline): Uncertain significance (1 of 4 stars; one submission).

Submission:

Labcorp Genetics (formerly Invitae), Labcorp
Classification: Uncertain significance. Last evaluated: 2022-08-16. Review status: criteria provided, single submitter. Criteria: Invitae Variant Classification Sherloc (09022015). Collection method: clinical testing. Allele origin: germline.
Comment: This variant has not been reported in the literature in individuals affected with ADAM9-related conditions. ClinVar contains an entry for this variant (Variation ID: 1004484). Algorithms developed to predict the effect of missense changes on protein structure and function are either unavailable or do not agree on the potential impact of this missense change (SIFT: "Deleterious"; PolyPhen-2: "Possibly Damaging"; Align-GVGD: "Class C15"). In summary, the available evidence is currently insufficient to determine the role of this variant in disease. Therefore, it has been classified as a Variant of Uncertain Significance. This variant is not present in population databases (gnomAD no frequency). This sequence change replaces glycine, which is neutral and non-polar, with aspartic acid, which is acidic and polar, at codon 276 of the ADAM9 protein (p.Gly276Asp).